The following is an entry in ClinVar:

NM_006031.6(PCNT):c.2567T>G (p.Val856Gly)

Gene: PCNT (pericentrin; plus strand). Cytogenetic location: 21q22.3.
Variant type: single nucleotide variant.
Coding change: c.2567T>G on transcript NM_006031.6 (MANE Select); coding-DNA position 2567, T replaced by G.
Protein change: p.Val856Gly; replaces valine 856 with glycine.
Molecular consequence: missense variant.
Genome position (GRCh38, 1-based): chr21:46,363,892, T>G. VCF-style: chr21-46363892-T-G. GRCh37 (hg19) VCF-style: chr21-47783807-T-G.
Other names: c.2213T>G, p.Val738Gly (NM_001315529.2); short protein forms V738G, V856G.
Identifiers: ClinVar variation 1465604 (VCV001465604.5), dbSNP rs755388467, ClinGen allele CA10079017.

ClinVar aggregate classification (germline): Uncertain significance (1 of 4 stars; one submission).

Allele frequency attached by ClinVar (database versions not stated): gnomAD exomes 0.00001 and 0.00002; ExAC 0.00003; gnomAD 0.00001.
gnomAD v4.1: 21 of 1,611,636 alleles (0.0013%); highest among the groups gnomAD compares: South Asian, 0.023%; no homozygotes.

Submission:

Labcorp Genetics (formerly Invitae), Labcorp
Classification: Uncertain significance. Last evaluated: 2025-12-08. Review status: criteria provided, single submitter. Criteria: Invitae Variant Classification Sherloc (09022015). Collection method: clinical testing. Allele origin: germline.
Comment: This sequence change replaces valine, which is neutral and non-polar, with glycine, which is neutral and non-polar, at codon 856 of the PCNT protein (p.Val856Gly). This variant is present in population databases (rs755388467, gnomAD 0.02%). This variant has not been reported in the literature in individuals affected with PCNT-related conditions. ClinVar contains an entry for this variant (Variation ID: 1465604). An algorithm developed to predict the effect of missense changes on protein structure and function (PolyPhen-2) suggests that this variant is likely to be disruptive. In summary, the available evidence is currently insufficient to determine the role of this variant in disease. Therefore, it has been classified as a Variant of Uncertain Significance.